The following is an entry in ClinVar:

ClinVar aggregate classification (germline): Benign. Review status: criteria provided, multiple submitters, no conflicts (2 of 4 stars). 3 submissions from 3 submitters: Benign (3). Last evaluated 2026-01-18.

Conditions:
Isolated focal non-epidermolytic palmoplantar keratoderma. Also called: Palmoplantar keratoderma, nonepidermolytic, focal 2. Identifiers: Orphanet 448264, MedGen C4225339, MONDO:0014622, OMIM 616400.

Allele frequency attached by ClinVar (database versions not stated): gnomAD exomes 0.00520 and 0.01412; ExAC 0.01777; gnomAD 0.05469 and 0.05871; TOPMed 0.06090; ESP Exome Variant Server 0.06197; 1000 Genomes Project 0.06470; 1000 Genomes Project 30x 0.07074.

Submissions (3):

Labcorp Genetics (formerly Invitae), Labcorp
Classification: Benign. Last evaluated: 2026-01-18. Review status: criteria provided, single submitter. Criteria: Invitae Variant Classification Sherloc (09022015). Collection method: clinical testing. Allele origin: germline.

Illumina Laboratory Services, Illumina
Classification: Benign for Isolated focal non-epidermolytic palmoplantar keratoderma. Last evaluated: 2018-01-13. Review status: criteria provided, single submitter. Criteria: ICSL Variant Classification Criteria 13 December 2019. Collection method: clinical testing. Allele origin: germline.
Comment: This variant was observed in the ICSL laboratory as part of a predisposition screen in an ostensibly healthy population. It had not been previously curated by ICSL or reported in the Human Gene Mutation Database (HGMD: prior to June 1st, 2018), and was therefore a candidate for classification through an automated scoring system. Utilizing variant allele frequency, disease prevalence and penetrance estimates, and inheritance mode, an automated score was calculated to assess if this variant is too frequent to cause the disease. Based on the score and internal cut-off values, a variant classified as benign is not then subjected to further curation. The score for this variant resulted in a classification of benign for this disease.

Breakthrough Genomics
Classification: Benign. Review status: criteria provided, single submitter. Criteria: ACMG Guidelines, 2015. Collection method: not provided. Allele origin: germline. Inheritance: Autosomal dominant inheritance. Affected: yes.

NM_145068.4(TRPV3):c.1419G>C (p.Leu473Phe)

Gene: TRPV3 (transient receptor potential cation channel subfamily V member 3; minus strand). Cytogenetic location: 17p13.2.
Variant type: single nucleotide variant.
Coding change: c.1419G>C on transcript NM_145068.4 (MANE Select); coding-DNA position 1419, G replaced by C.
Protein change: p.Leu473Phe; replaces leucine 473 with phenylalanine.
Molecular consequence: missense variant.
Genome position (GRCh38, 1-based): chr17:3,528,109, C>G on the plus strand (G>C on the coding strand, the complement: TRPV3 is on the minus strand). VCF-style: chr17-3528109-C-G. GRCh37 (hg19) VCF-style: chr17-3431403-C-G.
Other names: c.1419G>C, p.Leu473Phe (NM_001258205.2); short protein forms L473F.
Identifiers: ClinVar variation 322770 (VCV000322770.13), dbSNP rs56169438, ClinGen allele CA8289464.